The following is an entry in ClinVar:

ClinVar aggregate classification (germline): Uncertain significance (1 of 4 stars; one submission).

Conditions:
Familial meningioma. Also called: Meningioma, familial, susceptibility to. Identifiers: Orphanet 263662, MedGen C3551915, MONDO:0011789, OMIM 607174.

gnomAD v4.1: 1 of 1,608,814 alleles (0.000062%); highest among the groups gnomAD compares: South Asian, 0.0011%; no homozygotes.

Submission:

Dr. Guy Rouleau's laboratory, McGill University
Classification: Uncertain significance for Familial meningioma. Last evaluated: 2025-03-22. Review status: criteria provided, single submitter. Criteria: ACMG Guidelines, 2015. Collection method: research. Allele origin: germline. Affected: yes.
Comment: This missense variant located at the position 1076, is change from Alanine (A), neutral and nonpolar aminoacid to Aspartic Acid (D), an acidic amino acid in RECQL4 gene. This variant has been reported in population database (gnomAD v4.1.1 no frequency). Based on the available evidence, the clinical significance of this variant is unknown.

NM_004260.4(RECQL4):c.3227C>A (p.Ala1076Asp)

Gene: RECQL4 (RecQ like helicase 4; minus strand). Cytogenetic location: 8q24.3.
Variant type: single nucleotide variant.
Coding change: c.3227C>A on transcript NM_004260.4 (MANE Select); coding-DNA position 3227, C replaced by A.
Protein change: p.Ala1076Asp; replaces alanine 1076 with aspartic acid.
Molecular consequence: missense variant. On other transcripts: non-coding transcript variant (3).
Genome position (GRCh38, 1-based): chr8:144,512,153, G>T on the plus strand (C>A on the coding strand, the complement: RECQL4 is on the minus strand). VCF-style: chr8-144512153-G-T. GRCh37 (hg19) VCF-style: chr8-145737536-G-T.
Other names: c.2933C>A, p.Ala978Asp (NM_001413017.1); c.3029C>A, p.Ala1010Asp (NM_001413018.1); c.3302C>A, p.Ala1101Asp (NM_001413019.1); c.3131C>A, p.Ala1044Asp (NM_001413020.1); c.2156C>A, p.Ala719Asp (NM_001413021.1, NM_001413022.1, NM_001413024.1 and 4 more transcripts); c.2231C>A, p.Ala744Asp (NM_001413023.1); c.3098C>A, p.Ala1033Asp (NM_001413025.1); c.2090C>A, p.Ala697Asp (NM_001413027.1, NM_001413030.1, NM_001413032.1); and 9 more; short protein forms A1010D, A1032D, A1033D, A1044D, A1066D, A1076D, A1101D, A587D.
Identifiers: ClinVar variation 3774550 (VCV003774550.1).